The following is an entry in ClinVar:

ClinVar aggregate classification (germline): Uncertain significance. Review status: criteria provided, multiple submitters, no conflicts (2 of 4 stars). 2 submissions from 2 submitters: Uncertain significance (2). Last evaluated 2025-03-31.

Conditions:
Spinocerebellar ataxia 44. Identifiers: Orphanet 631095, MedGen C4521563, MONDO:0033479, OMIM 617691.
Autosomal recessive spinocerebellar ataxia 13. Identifiers: Orphanet 324262, MedGen C3553816, MONDO:0013905, OMIM 614831.

gnomAD v4.1: 4 of 1,606,014 alleles (0.00025%); highest among the groups gnomAD compares: Non-Finnish European, 0.00034%; no homozygotes.

Submissions (2):

Labcorp Genetics (formerly Invitae), Labcorp
Classification: Uncertain significance. Last evaluated: 2025-03-31. Review status: criteria provided, single submitter. Criteria: Invitae Variant Classification Sherloc (09022015). Collection method: clinical testing. Allele origin: germline.
Comment: This sequence change replaces serine, which is neutral and polar, with leucine, which is neutral and non-polar, at codon 1157 of the GRM1 protein (p.Ser1157Leu). This variant is not present in population databases (gnomAD no frequency). This variant has not been reported in the literature in individuals affected with GRM1-related conditions. An algorithm developed to predict the effect of missense changes on protein structure and function (PolyPhen-2) suggests that this variant is likely to be tolerated. In summary, the available evidence is currently insufficient to determine the role of this variant in disease. Therefore, it has been classified as a Variant of Uncertain Significance.

Juno Genomics, Hangzhou Juno Genomics, Inc
Classification: Uncertain significance for Spinocerebellar ataxia 44; Autosomal recessive spinocerebellar ataxia 13. Review status: criteria provided, single submitter. Criteria: ACMG Guidelines, 2015. Collection method: clinical testing. Allele origin: germline.
Comment: Absent from controls (or at extremely low frequency if recessive) in Genome Aggregation Database.;Missense variant in a gene that has a low rate of benign missense variation.

NM_001278064.2(GRM1):c.3470C>T (p.Ser1157Leu)

Gene: GRM1 (glutamate metabotropic receptor 1; plus strand). Cytogenetic location: 6q24.3.
Variant type: single nucleotide variant.
Coding change: c.3470C>T on transcript NM_001278064.2 (MANE Select); coding-DNA position 3470, C replaced by T.
Protein change: p.Ser1157Leu; replaces serine 1157 with leucine.
Molecular consequence: missense variant. On other transcripts: 3 prime UTR variant (3).
Genome position (GRCh38, 1-based): chr6:146,434,681, C>T. VCF-style: chr6-146434681-C-T. GRCh37 (hg19) VCF-style: chr6-146755817-C-T.
Other names: c.*834C>T (NM_001278065.2); c.*799C>T (NM_001278066.1); c.*708C>T (NM_001278067.1); short protein forms S1157L.
Identifiers: ClinVar variation 4759849 (VCV004759849.3).